The following is an entry in ClinVar:

ClinVar aggregate classification (germline): Likely benign (1 of 4 stars; one submission).

gnomAD v4.1: 1 of 1,613,526 alleles (0.000062%); no homozygotes.

Submission:

CeGaT Center for Human Genetics Tuebingen
Classification: Likely benign. Last evaluated: 2022-03-01. Review status: criteria provided, single submitter. Criteria: CeGaT Center For Human Genetics Tuebingen Variant Classification Criteria Version 2. Collection method: clinical testing. Allele origin: germline. Affected: yes. Observed: 1 variant allele.
Comment: DAG1: BP4, BP7

NM_004393.6(DAG1):c.1149C>A (p.Gly383=)

Gene: DAG1 (dystroglycan 1; plus strand). Cytogenetic location: 3p21.31.
Variant type: single nucleotide variant.
Coding change: c.1149C>A on transcript NM_004393.6 (MANE Select); coding-DNA position 1149, C replaced by A.
Protein change: p.Gly383=; no amino-acid change (glycine 383 retained).
Molecular consequence: synonymous variant.
Genome position (GRCh38, 1-based): chr3:49,531,660, C>A. VCF-style: chr3-49531660-C-A. GRCh37 (hg19) VCF-style: chr3-49569093-C-A.
Other names: c.1149C>A, p.Gly383= (NM_001165928.4, NM_001177634.3, NM_001177635.3 and 9 more transcripts).
Identifiers: ClinVar variation 2653828 (VCV002653828.24), dbSNP rs1381198634, ClinGen allele CA433839629.